The following is an entry in ClinVar:

NM_014314.4(RIGI):c.305A>G (p.Glu102Gly)

Gene: RIGI (RNA sensor RIG-I; minus strand). Cytogenetic location: 9p21.1.
Variant type: single nucleotide variant.
Coding change: c.305A>G on transcript NM_014314.4 (MANE Select); coding-DNA position 305, A replaced by G.
Protein change: p.Glu102Gly; replaces glutamic acid 102 with glycine.
Molecular consequence: missense variant. On other transcripts: 5 prime UTR variant (3).
Genome position (GRCh38, 1-based): chr9:32,493,879, T>C on the plus strand (A>G on the coding strand, the complement: RIGI is on the minus strand). VCF-style: chr9-32493879-T-C. GRCh37 (hg19) VCF-style: chr9-32493877-T-C.
Other names: c.305A>G, p.Glu102Gly (NM_001385907.1, NM_001385909.1, NM_001385913.1); c.-150A>G (NM_001385910.1, NM_001385914.1); c.-157A>G (NM_001385912.1); short protein forms E102G.
Identifiers: ClinVar variation 2091225 (VCV002091225.4), dbSNP rs2489341477, ClinGen allele CA373165212.
Genomic context (GRCh38, chr9:32,493,879, plus strand): 5'-TCGGTTGGGATAATTCTGGTTTTAAATTCTGGTTGTAAACGTTTTAAAAGTAATCTATAC[T>C]CCTCCAACTTTTCAATTTTTTTGAAATCCCAACTTTCAATGGCTTCATAAAGTCCAGAAT-3'
Protein context (NP_055129.2, residues 92-112): WDFKKIEKLE[Glu102Gly]YRLLLKRLQP

ClinVar aggregate classification (germline): Uncertain significance (1 of 4 stars; one submission).

Submission:

Labcorp Genetics (formerly Invitae), Labcorp
Classification: Uncertain significance. Last evaluated: 2022-01-31. Review status: criteria provided, single submitter. Criteria: Invitae Variant Classification Sherloc (09022015). Collection method: clinical testing. Allele origin: germline.
Comment: Algorithms developed to predict the effect of missense changes on protein structure and function (SIFT, PolyPhen-2, Align-GVGD) all suggest that this variant is likely to be tolerated. This sequence change replaces glutamic acid, which is acidic and polar, with glycine, which is neutral and non-polar, at codon 102 of the DDX58 protein (p.Glu102Gly). This variant is not present in population databases (gnomAD no frequency). This variant has not been reported in the literature in individuals affected with DDX58-related conditions. In summary, the available evidence is currently insufficient to determine the role of this variant in disease. Therefore, it has been classified as a Variant of Uncertain Significance.